The following is an entry in ClinVar:

ClinVar aggregate classification (germline): other (0 of 4 stars; one submission).

Conditions:
Familial colorectal cancer. Identifiers: MedGen CN280943, MONDO:0023113. Disease mechanism: loss of function.

Submission:

Systems Biology Platform Zhejiang California International NanoSystems Institute
Classification: other for Familial colorectal cancer. Review status: no assertion criteria provided. Collection method: not provided. Allele origin: unknown.
ClinVar note: Converted during submission from cancer to other.

NM_000038.6(APC):c.730-3103C>A

Gene: APC (APC regulator of WNT signaling pathway; plus strand). Cytogenetic location: 5q22.2.
Variant type: single nucleotide variant.
Coding change: c.730-3103C>A on transcript NM_000038.6 (MANE Select); 3103 bases into the intron before coding-DNA position 730, C replaced by A.
Molecular consequence: intron variant.
Genome position (GRCh38, 1-based): chr5:112,798,176, C>A. VCF-style: chr5-112798176-C-A. GRCh37 (hg19) VCF-style: chr5-112133873-C-A.
Other names: c.730-3103C>A (NM_001354895.2, NM_001127510.3, NM_001354896.2 and 1 more transcripts); c.760-3103C>A (NM_001354897.2, NM_001354902.2); c.676-3103C>A (NM_001127511.3); c.655-3103C>A (NM_001354898.2, NM_001354904.2); c.-306-3103C>A (NM_001354906.2); c.646-3103C>A (NM_001354899.2); c.553-3103C>A (NM_001354900.2, NM_001354901.2, NM_001354905.2).
Identifiers: ClinVar variation 82500 (VCV000082500.2), dbSNP rs76045097, ClinGen allele CA013552.